The following is an entry in ClinVar:

ClinVar aggregate classification (germline): Likely pathogenic (1 of 4 stars; one submission).

Submission:

Clinical Genomics Laboratory, Laboratory for Precision Diagnostics, University of Washington
Classification: Likely pathogenic. Last evaluated: 2025-04-13. Review status: criteria provided, single submitter. Criteria: ACMG/ClinGen CNV Guidelines, 2019. Collection method: clinical testing. Allele origin: unknown. Affected: yes. Observed: 1 variant allele.
Comment: This terminal duplication is approximately 4.7 Mb in size and contains at least 50 protein-coding genes plus the IGH gene cluster at distal 14q. A number of the genes in this region are predicted to be dosage sensitive, but none are known to cause medical problems in humans when an extra copy is present (triplosensitivity), and this is not a known triplosensitive genomic region. The number of protein-coding genes in this region results in a classification of likely pathogenic.

GRCh38/hg38 14q32.31-32.33(chr14:102331871-107043718)x3

Genes: ADSS1 (adenylosuccinate synthase 1; plus strand), AHNAK2 (AHNAK nucleoprotein 2; minus strand), AKT1 (AKT serine/threonine kinase 1; minus strand), AMN (amnion associated transmembrane protein; plus strand), ANKRD9 (ankyrin repeat domain 9; minus strand) and 388 more. Cytogenetic location: 14q32.31-32.33.
Variant type: copy number gain.
Change: copy number 3 (three copies instead of two) of chr14:102,331,871-107,043,718 (4.71 Mb, GRCh38 coordinates, 1-based), cytogenetic band 14q32.31-32.33.
Identifiers: ClinVar variation 5038289 (VCV005038289.1).